The following is an entry in ClinVar:

NM_032608.7(MYO18B):c.6710C>T (p.Pro2237Leu)

Gene: MYO18B (myosin XVIIIB; plus strand). Cytogenetic location: 22q12.1.
Variant type: single nucleotide variant.
Coding change: c.6710C>T on transcript NM_032608.7 (MANE Select); coding-DNA position 6710, C replaced by T.
Protein change: p.Pro2237Leu; replaces proline 2237 with leucine.
Molecular consequence: missense variant.
Genome position (GRCh38, 1-based): chr22:26,026,684, C>T. VCF-style: chr22-26026684-C-T. GRCh37 (hg19) VCF-style: chr22-26422650-C-T.
Other names: c.6713C>T, p.Pro2238Leu (NM_001318245.2); c.6710C>T (NM_032608.5); short protein forms P2238L, P2237L.
Identifiers: ClinVar variation 1377864 (VCV001377864.5), dbSNP rs370439134, ClinGen allele CA10161595.
Genomic context (GRCh38, chr22:26,026,684, plus strand): 5'-CCACAGAGAGATTAGAACCTGCTTCCTCTCCCCTGGCTTCTCGGAGTACAAATACATCCC[C>T]GCTGTCGAGGGAAAAGCTGCCCAGTCCTTCAGCGGCCCTCTCGGAGTTCGTGGAAGGGCT-3'
Protein context (NP_115997.5, residues 2227-2247): PLASRSTNTS[Pro2237Leu]LSREKLPSPS

ClinVar aggregate classification (germline): Uncertain significance. Review status: criteria provided, multiple submitters, no conflicts (2 of 4 stars). 2 submissions from 2 submitters: Uncertain significance (2). Last evaluated 2025-01-04.

Conditions:
Inborn genetic diseases. Identifiers: MedGen C0950123, MeSH D030342.

Allele frequency attached by ClinVar (database versions not stated): ESP Exome Variant Server 0.00008; ExAC 0.00014.
gnomAD v4.1: 100 of 1,613,782 alleles (0.0062%); highest among the groups gnomAD compares: South Asian, 0.08%; no homozygotes.

Submissions (2):

Ambry Genetics
Classification: Uncertain significance for Inborn genetic diseases. Last evaluated: 2025-01-04. Review status: criteria provided, single submitter. Criteria: Ambry Variant Classification Scheme 2023. Collection method: clinical testing. Allele origin: germline.

Labcorp Genetics (formerly Invitae), Labcorp
Classification: Uncertain significance. Last evaluated: 2024-10-07. Review status: criteria provided, single submitter. Criteria: Invitae Variant Classification Sherloc (09022015). Collection method: clinical testing. Allele origin: germline.
Comment: This sequence change replaces proline, which is neutral and non-polar, with leucine, which is neutral and non-polar, at codon 2237 of the MYO18B protein (p.Pro2237Leu). This variant is present in population databases (rs370439134, gnomAD 0.09%). This variant has not been reported in the literature in individuals affected with MYO18B-related conditions. ClinVar contains an entry for this variant (Variation ID: 1377864). An algorithm developed to predict the effect of missense changes on protein structure and function outputs the following: PolyPhen-2: "Probably Damaging". The leucine amino acid residue is found in multiple mammalian species, which suggests that this missense change does not adversely affect protein function. In summary, the available evidence is currently insufficient to determine the role of this variant in disease. Therefore, it has been classified as a Variant of Uncertain Significance.